The following is an entry in ClinVar:

ClinVar aggregate classification (germline): Benign (0 of 4 stars; one submission).

Conditions:
CCR2-related disorder. Also called: CCR2-related condition.

Allele frequency attached by ClinVar (database versions not stated): 1000 Genomes Project 0.04413; 1000 Genomes Project 30x 0.04450; TOPMed 0.08807; gnomAD 0.09522; ESP Exome Variant Server 0.10994; ExAC 0.12779.
gnomAD v4.1: 203,719 of 1,601,034 alleles (13%); highest among the groups gnomAD compares: Non-Finnish European, 15%; 14,739 homozygotes.

Submission:

PreventionGenetics, part of Exact Sciences
Classification: Benign for CCR2-related condition. Last evaluated: 2019-10-31. Review status: no assertion criteria provided. Collection method: clinical testing. Allele origin: germline.
Comment: This variant is classified as benign based on ACMG/AMP sequence variant interpretation guidelines (Richards et al. 2015 PMID: 25741868, with internal and published modifications).

NM_001123396.4(CCR2):c.1044G>A (p.Thr348=)

Gene: CCR2 (C-C motif chemokine receptor 2; plus strand). Cytogenetic location: 3p21.31.
Variant type: single nucleotide variant.
Coding change: c.1044G>A on transcript NM_001123396.4 (MANE Select); coding-DNA position 1044, G replaced by A.
Protein change: p.Thr348=; no amino-acid change (threonine 348 retained).
Molecular consequence: synonymous variant. On other transcripts: intron variant (1).
Genome position (GRCh38, 1-based): chr3:46,358,571, G>A. VCF-style: chr3-46358571-G-A. GRCh37 (hg19) VCF-style: chr3-46400062-G-A.
Other names: c.941+103G>A (NM_001123041.3).
Identifiers: ClinVar variation 3060753 (VCV003060753.2), dbSNP rs3092960, ClinGen allele CA2354454.